The following is an entry in ClinVar:

ClinVar aggregate classification (germline): Uncertain significance (1 of 4 stars; one submission).

Allele frequency attached by ClinVar (database versions not stated): TOPMed 0.00002; gnomAD 0.00003.
gnomAD v4.1: 34 of 1,611,136 alleles (0.0021%); highest among the groups gnomAD compares: Middle Eastern, 0.016%; no homozygotes.

Submission:

Labcorp Genetics (formerly Invitae), Labcorp
Classification: Uncertain significance. Last evaluated: 2022-07-25. Review status: criteria provided, single submitter. Criteria: Invitae Variant Classification Sherloc (09022015). Collection method: clinical testing. Allele origin: germline.
Comment: This sequence change replaces valine, which is neutral and non-polar, with methionine, which is neutral and non-polar, at codon 2320 of the FREM2 protein (p.Val2320Met). The frequency data for this variant in the population databases is considered unreliable, as metrics indicate poor data quality at this position in the gnomAD database. This variant has not been reported in the literature in individuals affected with FREM2-related conditions. Algorithms developed to predict the effect of missense changes on protein structure and function output the following: SIFT: "Tolerated"; PolyPhen-2: "Benign"; Align-GVGD: "Class C0". The methionine amino acid residue is found in multiple mammalian species, which suggests that this missense change does not adversely affect protein function. In summary, the available evidence is currently insufficient to determine the role of this variant in disease. Therefore, it has been classified as a Variant of Uncertain Significance.

NM_207361.6(FREM2):c.6958G>A (p.Val2320Met)

Gene: FREM2 (FRAS1 related extracellular matrix 2; plus strand). Cytogenetic location: 13q13.3.
Variant type: single nucleotide variant.
Coding change: c.6958G>A on transcript NM_207361.6 (MANE Select); coding-DNA position 6958, G replaced by A.
Protein change: p.Val2320Met; replaces valine 2320 with methionine.
Molecular consequence: missense variant.
Genome position (GRCh38, 1-based): chr13:38,856,158, G>A. VCF-style: chr13-38856158-G-A. GRCh37 (hg19) VCF-style: chr13-39430295-G-A.
Other names: short protein forms V2320M.
Identifiers: ClinVar variation 1908986 (VCV001908986.2), dbSNP rs1268483221, ClinGen allele CA387897445.